The following is an entry in ClinVar:

NM_003285.3(TNR):c.3275C>A (p.Thr1092Asn)

Gene: TNR (tenascin R; minus strand). Cytogenetic location: 1q25.1.
Variant type: single nucleotide variant.
Coding change: c.3275C>A on transcript NM_003285.3 (MANE Select); coding-DNA position 3275, C replaced by A.
Protein change: p.Thr1092Asn; replaces threonine 1092 with asparagine.
Molecular consequence: missense variant.
Genome position (GRCh38, 1-based): chr1:175,354,498, G>T on the plus strand (C>A on the coding strand, the complement: TNR is on the minus strand). VCF-style: chr1-175354498-G-T. GRCh37 (hg19) VCF-style: chr1-175323634-G-T.
Other names: c.2276C>A, p.Thr759Asn (NM_001328635.2); short protein forms T1092N, T759N.
Identifiers: ClinVar variation 2512110 (VCV002512110.3), dbSNP rs562502844, ClinGen allele CA1255375.

ClinVar aggregate classification (germline): Conflicting classifications of pathogenicity. Review status: criteria provided, conflicting classifications (1 of 4 stars). 2 submissions from 2 submitters: Uncertain significance (1); Likely benign (1). Last evaluated 2024-09-20.

Conditions:
Inborn genetic diseases. Identifiers: MedGen C0950123, MeSH D030342.
Neurodevelopmental disorder, nonprogressive, with spasticity and transient opisthotonus. Identifiers: MedGen C5562040, MONDO:0859212, OMIM 619653.

Allele frequency attached by ClinVar (database versions not stated): ExAC 0.00006; 1000 Genomes Project 30x 0.00016; gnomAD 0.00019; 1000 Genomes Project 0.00020.
gnomAD v4.1: 60 of 1,614,118 alleles (0.0037%); highest among the groups gnomAD compares: African/African-American, 0.063%; no homozygotes.

Submissions (2):

3billion
Classification: Likely benign for Neurodevelopmental disorder, nonprogressive, with spasticity and transient opisthotonus. Last evaluated: 2024-09-20. Review status: criteria provided, single submitter. Criteria: ACMG Guidelines, 2015. Collection method: clinical testing. Allele origin: germline. Affected: no.
Comment: The homozygous variant was found in patients diagnosed with another variant in a different gene, with no symptoms related to the gene containing the homozygous variant.

Ambry Genetics
Classification: Uncertain significance for Inborn genetic diseases. Last evaluated: 2023-05-04. Review status: criteria provided, single submitter. Criteria: Ambry Variant Classification Scheme 2023. Collection method: clinical testing. Allele origin: germline.